The following is an entry in ClinVar:

ClinVar aggregate classification (germline): Pathogenic/Likely pathogenic. Review status: criteria provided, multiple submitters, no conflicts (2 of 4 stars). 2 submissions from 2 submitters: Pathogenic (1); Likely pathogenic (1). Last evaluated 2024-04-25.

Submissions (2):

Labcorp Genetics (formerly Invitae), Labcorp
Classification: Pathogenic. Last evaluated: 2024-04-25. Review status: criteria provided, single submitter. Criteria: Invitae Variant Classification Sherloc (09022015). Collection method: clinical testing. Allele origin: germline.
Comment: This sequence change creates a premature translational stop signal (p.Ser118Profs*15) in the KERA gene. It is expected to result in an absent or disrupted protein product. Loss-of-function variants in KERA are known to be pathogenic (PMID: 10802664, 16234475, 31059048). This variant is not present in population databases (gnomAD no frequency). This variant has not been reported in the literature in individuals affected with KERA-related conditions. For these reasons, this variant has been classified as Pathogenic.

CeGaT Center for Human Genetics Tuebingen
Classification: Likely pathogenic. Last evaluated: 2024-04-01. Review status: criteria provided, single submitter. Criteria: CeGaT Center For Human Genetics Tuebingen Variant Classification Criteria Version 2. Collection method: clinical testing. Allele origin: germline. Affected: yes. Observed: 1 variant allele.
Comment: KERA: PVS1:Strong, PM2, PM3:Supporting, PP4

Literature cited by the submitters: PubMed 10802664 (cited by Labcorp Genetics (formerly Invitae), Labcorp); PubMed 16234475 (cited by Labcorp Genetics (formerly Invitae), Labcorp); PubMed 31059048 (cited by Labcorp Genetics (formerly Invitae), Labcorp).

NM_007035.4(KERA):c.347_350dup (p.Ser118fs)

Gene: KERA (keratocan; minus strand). Cytogenetic location: 12q21.33.
Variant type: Duplication.
Coding change: c.347_350dup on transcript NM_007035.4 (MANE Select); coding-DNA positions 347 to 350, 4 bases duplicated (CCCT; older notation c.347_350dupCCCT).
Protein change: p.Ser118fs; shifts the reading frame from serine 118.
Molecular consequence: frameshift variant.
Genome position (GRCh38, 1-based): chr12:91,055,932-91,055,935, AGGG duplicated on the plus strand (CCCT on the coding strand, the reverse complement: KERA is on the minus strand). VCF-style (leftmost placement, unchanged base first): chr12-91055931-T-TAGGG. GRCh37 (hg19) VCF-style: chr12-91449708-T-TAGGG.
Other names: short protein forms S118fs.
Identifiers: ClinVar variation 3234672 (VCV003234672.22), dbSNP rs2499553350, ClinGen allele CA2825002098.
Genomic context (GRCh38, chr12:91,055,931, plus strand): 5'-AGGTACCTCCTCTAGCTCATTATCTTCCAGAAATAAGAAGAGCAACTTCTTCAGCTGGCT[T>TAGGG]AGGGCTCCTTTTTCAATTCCGTAGTTGGTTATTTTGTTCTTGTTTAGATTTATCCATCTT-3'